The following is an entry in ClinVar:

NM_002602.4(PDE6G):c.179T>C (p.Leu60Pro)

Gene: PDE6G (phosphodiesterase 6G; minus strand). Cytogenetic location: 17q25.3.
Variant type: single nucleotide variant.
Coding change: c.179T>C on transcript NM_002602.4 (MANE Select); coding-DNA position 179, T replaced by C.
Protein change: p.Leu60Pro; replaces leucine 60 with proline.
Molecular consequence: missense variant. On other transcripts: non-coding transcript variant (2).
Genome position (GRCh38, 1-based): chr17:81,651,653, A>G on the plus strand (T>C on the coding strand, the complement: PDE6G is on the minus strand). VCF-style: chr17-81651653-A-G. GRCh37 (hg19) VCF-style: chr17-79618683-A-G.
Other names: c.179T>C, p.Leu60Pro (NM_001365724.1, NM_001365725.1); short protein forms L60P.
Identifiers: ClinVar variation 2036183 (VCV002036183.4), dbSNP rs1598717070, ClinGen allele CA401474231.

ClinVar aggregate classification (germline): Uncertain significance (1 of 4 stars; one submission).

Submission:

Labcorp Genetics (formerly Invitae), Labcorp
Classification: Uncertain significance. Last evaluated: 2022-03-09. Review status: criteria provided, single submitter. Criteria: Invitae Variant Classification Sherloc (09022015). Collection method: clinical testing. Allele origin: germline.
Comment: In summary, the available evidence is currently insufficient to determine the role of this variant in disease. Therefore, it has been classified as a Variant of Uncertain Significance. Algorithms developed to predict the effect of missense changes on protein structure and function (SIFT, PolyPhen-2, Align-GVGD) all suggest that this variant is likely to be disruptive. This variant has not been reported in the literature in individuals affected with PDE6G-related conditions. This variant is not present in population databases (gnomAD no frequency). This sequence change replaces leucine, which is neutral and non-polar, with proline, which is neutral and non-polar, at codon 60 of the PDE6G protein (p.Leu60Pro).